The following is an entry in ClinVar:

ClinVar aggregate classification (germline): Uncertain significance (1 of 4 stars; one submission).

Conditions:
Dystonia 12 (DYT12). Also called: DYT-ATP1A3; Rapid-Onset Dystonia-Parkinsonism (RDP). Identifiers: Orphanet 71517, MedGen C1868681, MONDO:0007496, OMIM 128235.

Submission:

Labcorp Genetics (formerly Invitae), Labcorp
Classification: Uncertain significance for Dystonia 12. Last evaluated: 2023-11-27. Review status: criteria provided, single submitter. Criteria: Invitae Variant Classification Sherloc (09022015). Collection method: clinical testing. Allele origin: germline.
Comment: This sequence change replaces glutamic acid, which is acidic and polar, with glycine, which is neutral and non-polar, at codon 753 of the ATP1A3 protein (p.Glu753Gly). This variant is not present in population databases (gnomAD no frequency). This variant has not been reported in the literature in individuals affected with ATP1A3-related conditions. ClinVar contains an entry for this variant (Variation ID: 2063841). Advanced modeling of protein sequence and biophysical properties (such as structural, functional, and spatial information, amino acid conservation, physicochemical variation, residue mobility, and thermodynamic stability) performed at Invitae indicates that this missense variant is expected to disrupt ATP1A3 protein function with a positive predictive value of 95%. Algorithms developed to predict the effect of sequence changes on RNA splicing suggest that this variant may disrupt the consensus splice site. In summary, the available evidence is currently insufficient to determine the role of this variant in disease. Therefore, it has been classified as a Variant of Uncertain Significance.

NM_152296.5(ATP1A3):c.2258A>G (p.Glu753Gly)

Gene: ATP1A3 (ATPase Na+/K+ transporting subunit alpha 3; minus strand). Cytogenetic location: 19q13.2.
Variant type: single nucleotide variant.
Coding change: c.2258A>G on transcript NM_152296.5 (MANE Select); coding-DNA position 2258, A replaced by G.
Protein change: p.Glu753Gly; replaces glutamic acid 753 with glycine.
Molecular consequence: missense variant.
Genome position (GRCh38, 1-based): chr19:41,975,634, T>C on the plus strand (A>G on the coding strand, the complement: ATP1A3 is on the minus strand). VCF-style: chr19-41975634-T-C. GRCh37 (hg19) VCF-style: chr19-42479786-T-C.
Other names: c.2291A>G, p.Glu764Gly (NM_001256213.2); c.2297A>G, p.Glu766Gly (NM_001256214.2); short protein forms E753G, E764G, E766G.
Identifiers: ClinVar variation 2063841 (VCV002063841.4), dbSNP rs2514046957, ClinGen allele CA406041589.